The following is an entry in ClinVar:

ClinVar aggregate classification (germline): Uncertain significance (1 of 4 stars; one submission).

Conditions:
Inborn genetic diseases. Identifiers: MedGen C0950123, MeSH D030342.

gnomAD v4.1: 1 of 1,611,262 alleles (0.000062%); highest among the groups gnomAD compares: Non-Finnish European, 0.000085%; no homozygotes.

Submission:

Ambry Genetics
Classification: Uncertain significance for Inborn genetic diseases. Last evaluated: 2025-08-20. Review status: criteria provided, single submitter. Criteria: Ambry Variant Classification Scheme 2023. Collection method: clinical testing. Allele origin: germline.
Comment: The p.G366S variant (also known as c.1096G>A), located in coding exon 5 of the RECQL4 gene, results from a G to A substitution at nucleotide position 1096. The glycine at codon 366 is replaced by serine, an amino acid with similar properties. This amino acid position is conserved. In addition, this alteration is predicted to be tolerated by in silico analysis. Based on the available evidence, the clinical significance of this variant remains unclear.

NM_004260.4(RECQL4):c.1096G>A (p.Gly366Ser)

Gene: RECQL4 (RecQ like helicase 4; minus strand). Cytogenetic location: 8q24.3.
Variant type: single nucleotide variant.
Coding change: c.1096G>A on transcript NM_004260.4 (MANE Select); coding-DNA position 1096, G replaced by A.
Protein change: p.Gly366Ser; replaces glycine 366 with serine.
Molecular consequence: missense variant. On other transcripts: 5 prime UTR variant (6), non-coding transcript variant (3).
Genome position (GRCh38, 1-based): chr8:144,516,023, C>T on the plus strand (G>A on the coding strand, the complement: RECQL4 is on the minus strand). VCF-style: chr8-144516023-C-T. GRCh37 (hg19) VCF-style: chr8-145741407-C-T.
Other names: c.1000G>A, p.Gly334Ser (NM_001413017.1, NM_001413020.1); c.1096G>A, p.Gly366Ser (NM_001413018.1, NM_001413019.1, NM_001413033.1 and 2 more transcripts); c.25G>A, p.Gly9Ser (NM_001413021.1, NM_001413022.1, NM_001413023.1 and 8 more transcripts); c.967G>A, p.Gly323Ser (NM_001413025.1); c.-38G>A (NM_001413027.1, NM_001413030.1, NM_001413031.1 and 2 more transcripts); c.745G>A, p.Gly249Ser (NM_001413029.1); c.-245G>A (NM_001413043.1); short protein forms G323S, G334S, G366S, G9S, G249S.
Identifiers: ClinVar variation 4152424 (VCV004152424.1).